The following is an entry in ClinVar:

NM_213594.3(RFX4):c.199del (p.Glu67fs)

Genes: RFX4 (regulatory factor X4; plus strand), LOC100287944 (uncharacterized LOC100287944; minus strand). Cytogenetic location: 12q23.3.
Variant type: Deletion.
Coding change: c.199del on transcript NM_213594.3 (MANE Select); coding-DNA position 199, one base deleted (G; older notation c.199delG).
Protein change: p.Glu67fs; shifts the reading frame from glutamic acid 67.
Molecular consequence: frameshift variant.
Genome position (GRCh38, 1-based): chr12:106,654,235, G deleted; the last of 2 consecutive G bases (chr12:106,654,234-106,654,235); deleting either gives the same sequence. VCF-style (leftmost placement, unchanged base first): chr12-106654233-AG-A. GRCh37 (hg19) VCF-style: chr12-107048011-AG-A.
Other names: c.226del, p.Glu76fs (NM_001206691.2); short protein forms E67fs, E76fs.
Identifiers: ClinVar variation 1801063 (VCV001801063.1), dbSNP rs2542502511, ClinGen allele CA2580085744.

ClinVar aggregate classification (germline): Uncertain significance (1 of 4 stars; one submission).

Submission:

GeneDx
Classification: Uncertain significance. Last evaluated: 2022-05-27. Review status: criteria provided, single submitter. Criteria: GeneDx Variant Classification Process June 2021. Collection method: clinical testing. Allele origin: germline. Affected: yes.
Comment: Frameshift variant predicted to result in protein truncation or nonsense mediated decay in a gene or region of a gene for which loss of function is not a well-established mechanism of disease; Not observed at significant frequency in large population cohorts (gnomAD); Has not been previously published as pathogenic or benign to our knowledge